The following is an entry in ClinVar:

NM_001083961.2(WDR62):c.2521-133G>A

Gene: WDR62 (WD repeat domain 62; plus strand). Cytogenetic location: 19q13.12.
Variant type: single nucleotide variant.
Coding change: c.2521-133G>A on transcript NM_001083961.2 (MANE Select); 133 bases into the intron before coding-DNA position 2521, G replaced by A.
Molecular consequence: intron variant.
Genome position (GRCh38, 1-based): chr19:36,099,266, G>A. VCF-style: chr19-36099266-G-A. GRCh37 (hg19) VCF-style: chr19-36590168-G-A.
Other names: c.2521-133G>A (NM_173636.5).
Identifiers: ClinVar variation 672334 (VCV000672334.1), dbSNP rs12980591, ClinGen allele CA14675384.
Genomic context (GRCh38, chr19:36,099,266, plus strand): 5'-AGCAAGACTTCGTCTCAAAAAAAAAAAAAAAAAAAAAAACAGAGAAAGGTTCACGCTGGA[G>A]ATATGTACCTGGAAGTTGTTTCTGAATGGTATTGAAAGCCAAGAGTCCAGATGGGCTGTG-3'

ClinVar aggregate classification (germline): Benign (1 of 4 stars; one submission).

Allele frequency attached by ClinVar (database versions not stated): 1000 Genomes Project 30x 0.40522; gnomAD 0.41207 and 0.41247; 1000 Genomes Project 0.41234; TOPMed 0.41289; gnomAD exomes 0.43391.
gnomAD v4.1: 282,800 of 660,800 alleles (43%); highest among the groups gnomAD compares: East Asian, 59%; 64,384 homozygotes.

Submission:

GeneDx
Classification: Benign. Last evaluated: 2018-06-19. Review status: criteria provided, single submitter. Criteria: GeneDx Variant Classification (06012015). Collection method: clinical testing. Allele origin: germline. Affected: yes.
Comment: This variant is considered likely benign or benign based on one or more of the following criteria: it is a conservative change, it occurs at a poorly conserved position in the protein, it is predicted to be benign by multiple in silico algorithms, and/or has population frequency not consistent with disease.